The following is an entry in ClinVar:

NM_003803.4(MYOM1):c.784G>A (p.Glu262Lys)

Gene: MYOM1 (myomesin 1; minus strand). Cytogenetic location: 18p11.31.
Variant type: single nucleotide variant.
Coding change: c.784G>A on transcript NM_003803.4 (MANE Select); coding-DNA position 784, G replaced by A.
Protein change: p.Glu262Lys; replaces glutamic acid 262 with lysine.
Molecular consequence: missense variant.
Genome position (GRCh38, 1-based): chr18:3,187,625, C>T on the plus strand (G>A on the coding strand, the complement: MYOM1 is on the minus strand). VCF-style: chr18-3187625-C-T. GRCh37 (hg19) VCF-style: chr18-3187623-C-T.
Other names: c.784G>A, p.Glu262Lys (NM_019856.2); short protein forms E262K.
Identifiers: ClinVar variation 3665981 (VCV003665981.2).

ClinVar aggregate classification (germline): Uncertain significance (1 of 4 stars; one submission).

Conditions:
Hypertrophic cardiomyopathy. Also called: HYPERTROPHIC MYOCARDIOPATHY. Identifiers: Orphanet 217569, MedGen C0007194, MeSH D002312, MONDO:0005045, HP:0001639.

gnomAD v4.1: 13 of 1,599,656 alleles (0.00081%); highest among the groups gnomAD compares: African/African-American, 0.004%; 1 homozygote.

Submission:

Labcorp Genetics (formerly Invitae), Labcorp
Classification: Uncertain significance for Hypertrophic cardiomyopathy. Last evaluated: 2024-05-23. Review status: criteria provided, single submitter. Criteria: Invitae Variant Classification Sherloc (09022015). Collection method: clinical testing. Allele origin: germline.
Comment: This sequence change replaces glutamic acid, which is acidic and polar, with lysine, which is basic and polar, at codon 262 of the MYOM1 protein (p.Glu262Lys). This variant is present in population databases (rs745896243, gnomAD 0.006%). This variant has not been reported in the literature in individuals affected with MYOM1-related conditions. Advanced modeling of protein sequence and biophysical properties (such as structural, functional, and spatial information, amino acid conservation, physicochemical variation, residue mobility, and thermodynamic stability) performed at Invitae indicates that this missense variant is not expected to disrupt MYOM1 protein function with a negative predictive value of 80%. In summary, the available evidence is currently insufficient to determine the role of this variant in disease. Therefore, it has been classified as a Variant of Uncertain Significance.